The following is an entry in ClinVar:

ClinVar aggregate classification (germline): Uncertain significance (1 of 4 stars; one submission).

Submission:

GeneDx
Classification: Uncertain significance. Last evaluated: 2022-07-29. Review status: criteria provided, single submitter. Criteria: GeneDx Variant Classification Process June 2021. Collection method: clinical testing. Allele origin: germline. Affected: yes.
Comment: Not observed at significant frequency in large population cohorts (gnomAD); In silico analysis supports that this missense variant does not alter protein structure/function; Has not been previously published as pathogenic or benign to our knowledge

NM_000141.5(FGFR2):c.589G>C (p.Glu197Gln)

Gene: FGFR2 (fibroblast growth factor receptor 2; minus strand). Cytogenetic location: 10q26.13.
Variant type: single nucleotide variant.
Coding change: c.589G>C on transcript NM_000141.5 (MANE Select); coding-DNA position 589, G replaced by C.
Protein change: p.Glu197Gln; replaces glutamic acid 197 with glutamine.
Molecular consequence: missense variant. On other transcripts: non-coding transcript variant (1).
Genome position (GRCh38, 1-based): chr10:121,551,325, C>G on the plus strand (G>C on the coding strand, the complement: FGFR2 is on the minus strand). VCF-style: chr10-121551325-C-G. GRCh37 (hg19) VCF-style: chr10-123310839-C-G.
Other names: c.589G>C, p.Glu197Gln (NM_001144913.1, NM_001144914.1, NM_001144917.2 and 2 more transcripts); c.322G>C, p.Glu108Gln (NM_001144915.2, NM_001144919.2, NM_023029.3); c.244G>C, p.Glu82Gln (NM_001144916.2, NM_001144918.2); short protein forms E108Q, E197Q, E82Q.
Identifiers: ClinVar variation 2442551 (VCV002442551.1), dbSNP rs1292300276, ClinGen allele CA378319406.
Genomic context (GRCh38, chr10:121,551,325, plus strand): 5'-TGATGTTCTGAAAGCTTAATTCTACCTTGTAGCCTCCAATGCGATGCTCCTGCTTAAACT[C>G]CTTCCCGTTTTTCAGCCACCGCATGGTTGGCATTGGGTTCCCCCCGGCTGGGCAGCGAAA-3'
Protein context (NP_000132.3, residues 187-207): PTMRWLKNGK[Glu197Gln]FKQEHRIGGY